The following is an entry in ClinVar:

NM_000702.4(ATP1A2):c.1642C>T (p.Arg548Cys)

Gene: ATP1A2 (ATPase Na+/K+ transporting subunit alpha 2; plus strand). Cytogenetic location: 1q23.2.
Variant type: single nucleotide variant.
Coding change: c.1642C>T on transcript NM_000702.4 (MANE Select); coding-DNA position 1642, C replaced by T.
Protein change: p.Arg548Cys; replaces arginine 548 with cysteine.
Molecular consequence: missense variant.
Genome position (GRCh38, 1-based): chr1:160,130,282, C>T. VCF-style: chr1-160130282-C-T. GRCh37 (hg19) VCF-style: chr1-160100072-C-T.
Other names: c.1642C>T (NM_000702.3); short protein forms R548C.
Identifiers: ClinVar variation 871961 (VCV000871961.44), dbSNP rs1651731153, ClinGen allele CA343243773.

ClinVar aggregate classification (germline): Pathogenic. Review status: criteria provided, multiple submitters, no conflicts (2 of 4 stars). 3 submissions from 3 submitters: Pathogenic (3). Last evaluated 2025-08-04.

Conditions:
Familial hemiplegic migraine. Identifiers: MedGen C0338484, MONDO:0000700.

Submissions (3):

Labcorp Genetics (formerly Invitae), Labcorp
Classification: Pathogenic for Familial hemiplegic migraine. Last evaluated: 2025-08-04. Review status: criteria provided, single submitter. Criteria: Invitae Variant Classification Sherloc (09022015). Collection method: clinical testing. Allele origin: germline.
Comment: This sequence change replaces arginine, which is basic and polar, with cysteine, which is neutral and slightly polar, at codon 548 of the ATP1A2 protein (p.Arg548Cys). This variant is not present in population databases (gnomAD no frequency). This missense change has been observed in individuals with autosomal dominant ATP1A2-related conditions (PMID: 18498390, 28811059; internal data). It has also been observed to segregate with disease in related individuals. ClinVar contains an entry for this variant (Variation ID: 871961). Invitae Evidence Modeling of protein sequence and biophysical properties (such as structural, functional, and spatial information, amino acid conservation, physicochemical variation, residue mobility, and thermodynamic stability) indicates that this missense variant is expected to disrupt ATP1A2 protein function with a positive predictive value of 80%. Experimental studies have shown that this missense change affects ATP1A2 function (PMID: 23954377, 34384358). Algorithms developed to predict the effect of sequence changes on RNA splicing suggest that this variant may disrupt the consensus splice site. This variant disrupts the p.Arg548 amino acid residue in ATP1A2. Other variant(s) that disrupt this residue have been determined to be pathogenic (PMID: 16344534; Maksemous et al. 2019 Cephalagia Reports Vol. 2, internal data). This suggests that this residue is clinically significant, and that variants that disrupt this residue are likely to be disease-causing. For these reasons, this variant has been classified as Pathogenic.

GeneDx
Classification: Pathogenic. Last evaluated: 2024-12-10. Review status: criteria provided, single submitter. Criteria: GeneDx Variant Classification Process June 2021. Collection method: clinical testing. Allele origin: germline. Affected: yes.
Comment: Published functional studies demonstrate a damaging effect: reduced ATPase activity, altered affinity for sodium and potassium, and reduced catalytic turnover compared to wild type protein (PMID: 23954377); Not observed at significant frequency in large population cohorts (gnomAD); In silico analysis supports that this missense variant has a deleterious effect on protein structure/function; This variant is associated with the following publications: (PMID: 33578253, 33839563, 30842972, 27818813, 27445835, 34384358, 38731230, 36749827, 38607431, Wojciechowska2023[Case_report], 18184292, 23954377, 18498390, 31164858, 28811059)

CeGaT Center for Human Genetics Tuebingen
Classification: Pathogenic. Last evaluated: 2019-07-01. Review status: criteria provided, single submitter. Criteria: CeGaT Center For Human Genetics Tuebingen Variant Classification Criteria Version 2. Collection method: clinical testing. Allele origin: germline. Affected: yes. Observed: 2 variant alleles.

Literature cited by the submitters: PubMed 18498390 (cited by Labcorp Genetics (formerly Invitae), Labcorp); PubMed 28811059 (cited by Labcorp Genetics (formerly Invitae), Labcorp); PubMed 23954377 (cited by Labcorp Genetics (formerly Invitae), Labcorp); PubMed 34384358 (cited by Labcorp Genetics (formerly Invitae), Labcorp); PubMed 16344534 (cited by Labcorp Genetics (formerly Invitae), Labcorp); PubMed 2019 (cited by Labcorp Genetics (formerly Invitae), Labcorp); PubMed 2 (cited by Labcorp Genetics (formerly Invitae), Labcorp).